The following is an entry in ClinVar:

ClinVar aggregate classification (germline): Uncertain significance. Review status: criteria provided, multiple submitters, no conflicts (2 of 4 stars). 5 submissions from 5 submitters: Uncertain significance (5). Last evaluated 2025-11-10.

Conditions:
Megacystis-microcolon-intestinal hypoperistalsis syndrome 2. Identifiers: MedGen C5543476, MONDO:0025708, OMIM 619351.
Aortic aneurysm, familial thoracic 4 (AAT4). Also called: AORTIC ANEURYSM/AORTIC DISSECTION AND PATENT DUCTUS ARTERIOSUS. Identifiers: MedGen C1851504, MONDO:0007568, OMIM 132900.
Visceral myopathy 2. Identifiers: MedGen C5543466, MONDO:0859157, OMIM 619350.
Familial thoracic aortic aneurysm and aortic dissection (TAAD). Also called: Thoracic aortic aneurysms and dissections. Identifiers: Orphanet 91387, MedGen C4707243, MONDO:0019625.

Allele frequency attached by ClinVar (database versions not stated): gnomAD exomes below 0.00001; ExAC 0.00001; gnomAD 0.00001; TOPMed 0.00003.
gnomAD v4.1: 8 of 1,613,904 alleles (0.0005%); highest among the groups gnomAD compares: African/African-American, 0.0027%; no homozygotes.

Submissions (5):

Color Diagnostics, LLC DBA Color Health
Classification: Uncertain significance for Familial thoracic aortic aneurysm and aortic dissection. Last evaluated: 2025-11-10. Review status: criteria provided, single submitter. Criteria: ACMG Guidelines, 2015. Collection method: clinical testing. Allele origin: germline.
Comment: This missense variant replaces glutamic acid with lysine at codon 1584 of the MYH11 protein. Computational prediction suggests that this variant may have deleterious impact on protein structure and function. To our knowledge, functional studies have not been reported for this variant. This variant has not been reported in individuals affected with MYH11-related disorders in the literature. This variant has been identified in 1/251468 chromosomes in the general population by the Genome Aggregation Database (gnomAD). The available evidence is insufficient to determine the role of this variant in disease conclusively. Therefore, this variant is classified as a Variant of Uncertain Significance.

All of Us Research Program, National Institutes of Health
Classification: Uncertain significance for Familial thoracic aortic aneurysm and aortic dissection. Last evaluated: 2023-02-10. Review status: criteria provided, single submitter. Criteria: ACMG Guidelines, 2015. Collection method: clinical testing. Allele origin: germline. Inheritance: Autosomal dominant inheritance. Observed: 1 variant allele, 1 heterozygote.
Comment: This study involves interpretation of variants in research participants for the purpose of population health screening. Participant phenotype was not available at the time of variant classification. Additional details can be found in publication PMID: 35346344, PMCID: PMC8962531

Ambry Genetics
Classification: Uncertain significance for Familial thoracic aortic aneurysm and aortic dissection. Last evaluated: 2022-04-06. Review status: criteria provided, single submitter. Criteria: Ambry Variant Classification Scheme 2023. Collection method: clinical testing. Allele origin: germline.
Comment: The p.E1577K variant (also known as c.4729G>A), located in coding exon 32 of the MYH11 gene, results from a G to A substitution at nucleotide position 4729. The glutamic acid at codon 1577 is replaced by lysine, an amino acid with similar properties. This amino acid position is conserved. In addition, the in silico prediction for this alteration is inconclusive. Since supporting evidence is limited at this time, the clinical significance of this alteration remains unclear.

Labcorp Genetics (formerly Invitae), Labcorp
Classification: Uncertain significance for Aortic aneurysm, familial thoracic 4. Last evaluated: 2021-12-24. Review status: criteria provided, single submitter. Criteria: Invitae Variant Classification Sherloc (09022015). Collection method: clinical testing. Allele origin: germline.
Comment: ClinVar contains an entry for this variant (Variation ID: 925198). Algorithms developed to predict the effect of missense changes on protein structure and function are either unavailable or do not agree on the potential impact of this missense change (SIFT: "Deleterious"; PolyPhen-2: "Possibly Damaging"; Align-GVGD: "Class C0"). In summary, the available evidence is currently insufficient to determine the role of this variant in disease. Therefore, it has been classified as a Variant of Uncertain Significance. This sequence change replaces glutamic acid, which is acidic and polar, with lysine, which is basic and polar, at codon 1584 of the MYH11 protein (p.Glu1584Lys). This variant is present in population databases (rs761965886, gnomAD 0.0009%). This variant has not been reported in the literature in individuals affected with MYH11-related conditions.

Fulgent Genetics
Classification: Uncertain significance for Aortic aneurysm, familial thoracic 4; Visceral myopathy 2; Megacystis-microcolon-intestinal hypoperistalsis syndrome 2. Last evaluated: 2021-08-18. Review status: criteria provided, single submitter. Criteria: ACMG Guidelines, 2015. Collection method: clinical testing. Allele origin: unknown.

NM_002474.3(MYH11):c.4729G>A (p.Glu1577Lys)

Genes: MYH11 (myosin heavy chain 11; minus strand), NDE1 (nudE neurodevelopment protein 1; plus strand). Cytogenetic location: 16p13.11.
Variant type: single nucleotide variant.
Coding change: c.4729G>A on transcript NM_002474.3 (MANE Select); coding-DNA position 4729, G replaced by A.
Protein change: p.Glu1577Lys; replaces glutamic acid 1577 with lysine.
Molecular consequence: missense variant. On other transcripts: intron variant (2).
Genome position (GRCh38, 1-based): chr16:15,720,901, C>T on the plus strand (G>A on the coding strand, the complement: MYH11 is on the minus strand). VCF-style: chr16-15720901-C-T. GRCh37 (hg19) VCF-style: chr16-15814758-C-T.
Other names: c.4750G>A, p.Glu1584Lys (NM_001040113.2, NM_001040114.2); c.4729G>A, p.Glu1577Lys (NM_022844.3); c.948-3290C>T (NM_001143979.2, NM_017668.3); short protein forms E1577K, E1584K.
Identifiers: ClinVar variation 925198 (VCV000925198.17), dbSNP rs761965886, ClinGen allele CA7921579.